The following is an entry in ClinVar:

NM_017646.6(TRIT1):c.435G>A (p.Glu145=)

Gene: TRIT1 (tRNA isopentenyltransferase 1; minus strand). Cytogenetic location: 1p34.2.
Variant type: single nucleotide variant.
Coding change: c.435G>A on transcript NM_017646.6 (MANE Select); coding-DNA position 435, G replaced by A.
Protein change: p.Glu145=; no amino-acid change (glutamic acid 145 retained).
Molecular consequence: synonymous variant.
Genome position (GRCh38, 1-based): chr1:39,852,856, C>T on the plus strand (G>A on the coding strand, the complement: TRIT1 is on the minus strand). VCF-style: chr1-39852856-C-T. GRCh37 (hg19) VCF-style: chr1-40318528-C-T.
Other names: c.435G>A, p.Glu145= (NM_001312691.2); c.195G>A, p.Glu65= (NM_001312692.2).
Identifiers: ClinVar variation 2988648 (VCV002988648.4), dbSNP rs183302003, ClinGen allele CA788094.

ClinVar aggregate classification (germline): Conflicting classifications of pathogenicity. Review status: criteria provided, conflicting classifications (1 of 4 stars). 2 submissions from 2 submitters: Uncertain significance (1); Likely benign (1). Last evaluated 2024-07-16.

Allele frequency attached by ClinVar (database versions not stated): ExAC 0.00003; gnomAD 0.00007; TOPMed 0.00010; 1000 Genomes Project 30x 0.00016; 1000 Genomes Project 0.00020; ESP Exome Variant Server 0.00023.
gnomAD v4.1: 20 of 1,614,218 alleles (0.0012%); highest among the groups gnomAD compares: African/African-American, 0.024%; no homozygotes.

Submissions (2):

GeneDx
Classification: Uncertain significance. Last evaluated: 2024-07-16. Review status: criteria provided, single submitter. Criteria: GeneDx Variant Classification Process June 2021. Collection method: clinical testing. Allele origin: germline. Affected: yes.
Comment: In silico analysis indicates that this variant does not alter splicing; Has not been previously published as pathogenic or benign to our knowledge

Labcorp Genetics (formerly Invitae), Labcorp
Classification: Likely benign. Last evaluated: 2023-11-13. Review status: criteria provided, single submitter. Criteria: Invitae Variant Classification Sherloc (09022015). Collection method: clinical testing. Allele origin: germline.